The following is an entry in ClinVar:

ClinVar aggregate classification (germline): Uncertain significance (1 of 4 stars; one submission).

Conditions:
Familial adenomatous polyposis 1 (FAP1). Also called: FAMILIAL ADENOMATOUS POLYPOSIS 1, ATTENUATED; POLYPOSIS, ADENOMATOUS INTESTINAL. Identifiers: MedGen C2713442, MONDO:0021056, OMIM 175100. Disease mechanism: loss of function.

Submission:

Labcorp Genetics (formerly Invitae), Labcorp
Classification: Uncertain significance for Familial adenomatous polyposis 1. Last evaluated: 2019-11-21. Review status: criteria provided, single submitter. Criteria: Invitae Variant Classification Sherloc (09022015). Collection method: clinical testing. Allele origin: germline.
Comment: Algorithms developed to predict the effect of missense changes on protein structure and function (SIFT, PolyPhen-2, Align-GVGD) all suggest that this variant is likely to be disruptive, but these predictions have not been confirmed by published functional studies and their clinical significance is uncertain. In summary, the available evidence is currently insufficient to determine the role of this variant in disease. Therefore, it has been classified as a Variant of Uncertain Significance. This variant has not been reported in the literature in individuals with APC-related disease. This variant is not present in population databases (ExAC no frequency). This sequence change replaces asparagine with serine at codon 1979 of the APC protein (p.Asn1979Ser). The asparagine residue is highly conserved and there is a small physicochemical difference between asparagine and serine.

NM_000038.6(APC):c.5936A>G (p.Asn1979Ser)

Gene: APC (APC regulator of Wnt signaling pathway; plus strand). Cytogenetic location: 5q22.2.
Variant type: single nucleotide variant.
Coding change: c.5936A>G on transcript NM_000038.6 (MANE Select); coding-DNA position 5936, A replaced by G.
Protein change: p.Asn1979Ser; replaces asparagine 1979 with serine.
Molecular consequence: missense variant.
Genome position (GRCh38, 1-based): chr5:112,841,530, A>G. VCF-style: chr5-112841530-A-G. GRCh37 (hg19) VCF-style: chr5-112177227-A-G.
Other names: c.5936A>G, p.Asn1979Ser (NM_001127510.3, NM_001354895.2); c.5882A>G, p.Asn1961Ser (NM_001127511.3); c.5990A>G, p.Asn1997Ser (NM_001354896.2); c.5966A>G, p.Asn1989Ser (NM_001354897.2); c.5861A>G, p.Asn1954Ser (NM_001354898.2); c.5852A>G, p.Asn1951Ser (NM_001354899.2); c.5813A>G, p.Asn1938Ser (NM_001354900.2); c.5759A>G, p.Asn1920Ser (NM_001354901.2); and 5 more; short protein forms N1920S, N1954S, N1696S, N1951S, N1979S, N1819S, N1878S, N1888S.
Identifiers: ClinVar variation 660836 (VCV000660836.12), dbSNP rs1580665810, ClinGen allele CA16034321.